The following is an entry in ClinVar:

ClinVar aggregate classification (germline): Uncertain significance (1 of 4 stars; one submission).

Conditions:
Wolman disease (WOLD). Also called: Wolman disease with hypolipoproteinemia and acanthocytosis; Acid cholesteryl ester hydrolase deficiency, Wolman type; Acid lipase disease; LYSOSOMAL ACID LIPASE DEFICIENCY, ACUTE INFANTILE; LYSOSOMAL ACID LIPASE DEFICIENCY, COMPLETE; LIPA DEFICIENCY, COMPLETE. Identifiers: Orphanet 75233, MedGen C0043208, MONDO:0019148, OMIM 620151.

Submission:

Labcorp Genetics (formerly Invitae), Labcorp
Classification: Uncertain significance for Wolman disease. Last evaluated: 2021-10-08. Review status: criteria provided, single submitter. Criteria: Invitae Variant Classification Sherloc (09022015). Collection method: clinical testing. Allele origin: germline.
Comment: In summary, the available evidence is currently insufficient to determine the role of this variant in disease. Therefore, it has been classified as a Variant of Uncertain Significance. Algorithms developed to predict the effect of missense changes on protein structure and function are either unavailable or do not agree on the potential impact of this missense change (SIFT: "Deleterious"; PolyPhen-2: "Possibly Damaging"; Align-GVGD: "Class C0"). This variant has not been reported in the literature in individuals affected with LIPA-related conditions. This variant is not present in population databases (ExAC no frequency). This sequence change replaces isoleucine with phenylalanine at codon 392 of the LIPA protein (p.Ile392Phe). The isoleucine residue is moderately conserved and there is a small physicochemical difference between isoleucine and phenylalanine.

NM_000235.4(LIPA):c.1174A>T (p.Ile392Phe)

Gene: LIPA (lipase A, lysosomal acid type; minus strand). Cytogenetic location: 10q23.31.
Variant type: single nucleotide variant.
Coding change: c.1174A>T on transcript NM_000235.4 (MANE Select); coding-DNA position 1174, A replaced by T.
Protein change: p.Ile392Phe; replaces isoleucine 392 with phenylalanine.
Molecular consequence: missense variant.
Genome position (GRCh38, 1-based): chr10:89,214,854, T>A on the plus strand (A>T on the coding strand, the complement: LIPA is on the minus strand). VCF-style: chr10-89214854-T-A. GRCh37 (hg19) VCF-style: chr10-90974611-T-A.
Other names: c.1174A>T, p.Ile392Phe (NM_001127605.3); c.826A>T, p.Ile276Phe (NM_001288979.2); short protein forms I276F, I392F.
Identifiers: ClinVar variation 1371868 (VCV001371868.6), dbSNP rs1842600415, ClinGen allele CA377515976.